The following is an entry in ClinVar:

ClinVar aggregate classification (germline): Uncertain significance (1 of 4 stars; one submission).

Submission:

Labcorp Genetics (formerly Invitae), Labcorp
Classification: Uncertain significance. Last evaluated: 2023-06-09. Review status: criteria provided, single submitter. Criteria: Invitae Variant Classification Sherloc (09022015). Collection method: clinical testing. Allele origin: germline.
Comment: This variant is not present in population databases (gnomAD no frequency). This sequence change replaces serine, which is neutral and polar, with threonine, which is neutral and polar, at codon 1259 of the USP9X protein (p.Ser1259Thr). This variant has not been reported in the literature in individuals affected with USP9X-related conditions. In summary, the available evidence is currently insufficient to determine the role of this variant in disease. Therefore, it has been classified as a Variant of Uncertain Significance. An algorithm developed to predict the effect of missense changes on protein structure and function (PolyPhen-2) suggests that this variant is likely to be disruptive.

NM_001039591.3(USP9X):c.3776G>C (p.Ser1259Thr)

Gene: USP9X (ubiquitin specific peptidase 9 X-linked; plus strand). Cytogenetic location: Xp11.4.
Variant type: single nucleotide variant.
Coding change: c.3776G>C on transcript NM_001039591.3 (MANE Select); coding-DNA position 3776, G replaced by C.
Protein change: p.Ser1259Thr; replaces serine 1259 with threonine.
Molecular consequence: missense variant.
Genome position (GRCh38, 1-based): chrX:41,188,083, G>C. VCF-style: chrX-41188083-G-C. GRCh37 (hg19) VCF-style: chrX-41047336-G-C.
Other names: c.3776G>C, p.Ser1259Thr (NM_001039590.3); c.3791G>C, p.Ser1264Thr (NM_001410748.1, NM_001410749.1); short protein forms S1264T, S1259T.
Identifiers: ClinVar variation 2704594 (VCV002704594.3), dbSNP rs2519280140, ClinGen allele CA412768676.